The following is an entry in ClinVar:

ClinVar aggregate classification (germline): Uncertain significance (1 of 4 stars; one submission).

Conditions:
HSF4-related disorder. Also called: HSF4-related condition.

Allele frequency attached by ClinVar (database versions not stated): TOPMed below 0.00001; gnomAD 0.00001.
gnomAD v4.1: 8 of 1,546,562 alleles (0.00052%); highest among the groups gnomAD compares: Non-Finnish European, 0.00069%; no homozygotes.

Submission:

PreventionGenetics, part of Exact Sciences
Classification: Uncertain significance for HSF4-related condition. Last evaluated: 2022-10-21. Review status: criteria provided, single submitter. Criteria: ACMG Guidelines, 2015. Collection method: clinical testing. Allele origin: germline.
Comment: The HSF4 c.406C>G variant is predicted to result in the amino acid substitution p.Leu136Val. To our knowledge, this variant has not been reported in the literature. This variant is reported in 0.0027% of alleles in individuals of European (Non-Finnish) descent in gnomAD. At this time, the clinical significance of this variant is uncertain due to the absence of conclusive functional and genetic evidence.

NM_001374675.1(HSF4):c.406C>G (p.Leu136Val)

Gene: HSF4 (heat shock transcription factor 4; plus strand). Cytogenetic location: 16q22.1.
Variant type: single nucleotide variant.
Coding change: c.406C>G on transcript NM_001374675.1 (MANE Select); coding-DNA position 406, C replaced by G.
Protein change: p.Leu136Val; replaces leucine 136 with valine.
Molecular consequence: missense variant.
Genome position (GRCh38, 1-based): chr16:67,165,991, C>G. VCF-style: chr16-67165991-C-G. GRCh37 (hg19) VCF-style: chr16-67199894-C-G.
Other names: c.406C>G, p.Leu136Val (NM_001040667.3, NM_001374674.1, NM_001538.4); short protein forms L136V.
Identifiers: ClinVar variation 2636718 (VCV002636718.1), dbSNP rs1292219556, ClinGen allele CA396265299.
Genomic context (GRCh38, chr16:67,165,991, plus strand): 5'-GCCTCCCGCCTGCAGGTGCCCGCGCTGCGCGGCGACGACGGCCGCTGGCGCCCGGAGGAC[C>G]TGGGTCGACTACTGGGCGAGGTGCAGGCTTTGCGGGGAGTGCAGGAGAGCACCGAGGCGC-3'
Protein context (NP_001361604.1, residues 126-146): GDDGRWRPED[Leu136Val]GRLLGEVQAL